The following is an entry in ClinVar:

ClinVar aggregate classification (germline): Uncertain significance (1 of 4 stars; one submission).

Conditions:
Cardiovascular phenotype. Identifiers: MedGen CN230736.

Submission:

Ambry Genetics
Classification: Uncertain significance for Cardiovascular phenotype. Last evaluated: 2024-06-17. Review status: criteria provided, single submitter. Criteria: Ambry Variant Classification Scheme 2023. Collection method: clinical testing. Allele origin: germline.
Comment: The p.A1666S variant (also known as c.4996G>T), located in coding exon 35 of the LAMA4 gene, results from a G to T substitution at nucleotide position 4996. The alanine at codon 1666 is replaced by serine, an amino acid with similar properties. This amino acid position is conserved. In addition, this alteration is predicted to be tolerated by in silico analysis. Based on the available evidence, the clinical significance of this variant remains unclear.

NM_001105206.3(LAMA4):c.5017G>T (p.Ala1673Ser)

Gene: LAMA4 (laminin subunit alpha 4; minus strand). Cytogenetic location: 6q21.
Variant type: single nucleotide variant.
Coding change: c.5017G>T on transcript NM_001105206.3 (MANE Select); coding-DNA position 5017, G replaced by T.
Protein change: p.Ala1673Ser; replaces alanine 1673 with serine.
Molecular consequence: missense variant.
Genome position (GRCh38, 1-based): chr6:112,115,958, C>A on the plus strand (G>T on the coding strand, the complement: LAMA4 is on the minus strand). VCF-style: chr6-112115958-C-A. GRCh37 (hg19) VCF-style: chr6-112437161-C-A.
Other names: c.4996G>T, p.Ala1666Ser (NM_001105207.3, NM_002290.5); short protein forms A1673S, A1666S.
Identifiers: ClinVar variation 3289956 (VCV003289956.1).